The following is an entry in ClinVar:

NM_006295.3(VARS1):c.522+1G>A

Genes: VARS1 (valyl-tRNA synthetase 1; minus strand), LOC126859651 (CDK7 strongly-dependent group 2 enhancer GRCh37_chr6:31759783-31760982; plus strand). Cytogenetic location: 6p21.33.
Variant type: single nucleotide variant.
Coding change: c.522+1G>A on transcript NM_006295.3 (MANE Select); the canonical splice donor site of the intron after coding-DNA position 522, G replaced by A.
Molecular consequence: splice donor variant.
Genome position (GRCh38, 1-based): chr6:31,792,985, C>T on the plus strand (G>A on the coding strand, the complement: VARS1 is on the minus strand). VCF-style: chr6-31792985-C-T. GRCh37 (hg19) VCF-style: chr6-31760762-C-T.
Identifiers: ClinVar variation 3902086 (VCV003902086.1).

ClinVar aggregate classification (germline): Likely pathogenic (1 of 4 stars; one submission).

Conditions:
Neurodevelopmental disorder with microcephaly, seizures, and cortical atrophy. Identifiers: MedGen C4540493, MONDO:0060621, OMIM 617802.

gnomAD v4.1: 6 of 1,613,670 alleles (0.00037%); highest among the groups gnomAD compares: African/African-American, 0.0013%; no homozygotes.

Submission:

Women's Health and Genetics/Laboratory Corporation of America, LabCorp
Classification: Likely pathogenic for Neurodevelopmental disorder with microcephaly, seizures, and cortical atrophy. Last evaluated: 2025-05-20. Review status: criteria provided, single submitter. Criteria: LabCorp Variant Classification Summary - May 2015. Collection method: clinical testing. Allele origin: germline.
Comment: Variant summary: VARS1 c.522+1G>A is located in a canonical splice-site and is predicted to affect mRNA splicing resulting in a significantly altered protein due to either exon skipping, shortening, or inclusion of intronic material. Variants that disrupt the consensus splice site are a relatively common cause of aberrant splicing and loss of VARS1 function. Several computational tools predict a significant impact on normal splicing: Four predict the variant abolishes a canonical 5' splicing donor site. However, these predictions have yet to be confirmed by functional studies. The variant was absent in 279094 control chromosomes (gnomAD). To our knowledge, no occurrence of c.522+1G>A in individuals affected with Neurodevelopmental Disorder With Microcephaly, Seizures, And Cortical Atrophy and no experimental evidence demonstrating its impact on protein function have been reported. No submitters have cited clinical-significance assessments for this variant to ClinVar. Based on the evidence outlined above, the variant was classified as likely pathogenic.